The following is an entry in ClinVar:

ClinVar aggregate classification (germline): Likely pathogenic (1 of 4 stars; one submission).

Conditions:
Cohen syndrome (COH1). Also called: PEPPER SYNDROME; Cutis verticis gyrata, retinitis pigmentosa, and sensorineural deafness. Identifiers: Orphanet 193, MedGen C0265223, MONDO:0008999, OMIM 216550.

Submission:

Labcorp Genetics (formerly Invitae), Labcorp
Classification: Likely pathogenic for Cohen syndrome. Last evaluated: 2021-09-06. Review status: criteria provided, single submitter. Criteria: Invitae Variant Classification Sherloc (09022015). Collection method: clinical testing. Allele origin: germline.
Comment: This sequence change affects an acceptor splice site in intron 2 of the VPS13B gene. It is expected to disrupt RNA splicing. Variants that disrupt the donor or acceptor splice site typically lead to a loss of protein function (PMID: 16199547), and loss-of-function variants in VPS13B are known to be pathogenic (PMID: 15141358, 16648375, 20461111). This variant is not present in population databases (ExAC no frequency). This variant has not been reported in the literature in individuals affected with VPS13B-related conditions. Algorithms developed to predict the effect of sequence changes on RNA splicing suggest that this variant may disrupt the consensus splice site. In summary, the currently available evidence indicates that the variant is pathogenic, but additional data are needed to prove that conclusively. Therefore, this variant has been classified as Likely Pathogenic.

Literature cited by the submitters: PubMed 16199547; PubMed 15141358; PubMed 16648375; PubMed 20461111.

NM_152564.5(VPS13B):c.148-2A>G

Gene: VPS13B (vacuolar protein sorting 13 homolog B; plus strand). Cytogenetic location: 8q22.2.
Variant type: single nucleotide variant.
Coding change: c.148-2A>G on transcript NM_152564.5 (MANE Select); the canonical splice acceptor site of the intron before coding-DNA position 148, A replaced by G.
Molecular consequence: splice acceptor variant.
Genome position (GRCh38, 1-based): chr8:99,038,421, A>G. VCF-style: chr8-99038421-A-G. GRCh37 (hg19) VCF-style: chr8-100050649-A-G.
Other names: c.148-2A>G (NM_017890.5, NM_015243.3, NM_181661.3).
Identifiers: ClinVar variation 1484609 (VCV001484609.6), dbSNP rs768406797, ClinGen allele CA371859580.